The following is an entry in ClinVar:

ClinVar aggregate classification (germline): Uncertain significance (1 of 4 stars; one submission).

Submission:

Ambry Genetics
Classification: Uncertain significance. Last evaluated: 2023-04-25. Review status: criteria provided, single submitter. Criteria: Ambry Variant Classification Scheme 2023. Collection method: clinical testing. Allele origin: germline.
Comment: The p.G143E variant (also known as c.428G>A), located in coding exon 1 of the MLH3 gene, results from a G to A substitution at nucleotide position 428. The glycine at codon 143 is replaced by glutamic acid, an amino acid with similar properties. This amino acid position is conserved. In addition, this alteration is predicted to be deleterious by in silico analysis. Since supporting evidence is limited at this time, the clinical significance of this alteration remains unclear.

NM_001040108.2(MLH3):c.428G>A (p.Gly143Glu)

Gene: MLH3 (mutL homolog 3; minus strand). Cytogenetic location: 14q24.3.
Variant type: single nucleotide variant.
Coding change: c.428G>A on transcript NM_001040108.2 (MANE Select); coding-DNA position 428, G replaced by A.
Protein change: p.Gly143Glu; replaces glycine 143 with glutamic acid.
Molecular consequence: missense variant.
Genome position (GRCh38, 1-based): chr14:75,049,228, C>T on the plus strand (G>A on the coding strand, the complement: MLH3 is on the minus strand). VCF-style: chr14-75049228-C-T. GRCh37 (hg19) VCF-style: chr14-75515931-C-T.
Other names: c.428G>A, p.Gly143Glu (NM_014381.3); short protein forms G143E.
Identifiers: ClinVar variation 2563546 (VCV002563546.2), dbSNP rs2503328518, ClinGen allele CA390450364.